The following is an entry in ClinVar:

ClinVar aggregate classification (germline): Uncertain significance (1 of 4 stars; one submission).

Submission:

Labcorp Genetics (formerly Invitae), Labcorp
Classification: Uncertain significance. Last evaluated: 2025-08-14. Review status: criteria provided, single submitter. Criteria: Invitae Variant Classification Sherloc (09022015). Collection method: clinical testing. Allele origin: germline.
Comment: This sequence change replaces threonine, which is neutral and polar, with proline, which is neutral and non-polar, at codon 193 of the CACNA1F protein (p.Thr193Pro). This variant is not present in population databases (gnomAD no frequency). This variant has not been reported in the literature in individuals affected with CACNA1F-related conditions. An algorithm developed to predict the effect of missense changes on protein structure and function (PolyPhen-2) suggests that this variant is likely to be tolerated. In summary, the available evidence is currently insufficient to determine the role of this variant in disease. Therefore, it has been classified as a Variant of Uncertain Significance.

NM_001256789.3(CACNA1F):c.577A>C (p.Thr193Pro)

Gene: CACNA1F (calcium voltage-gated channel subunit alpha1 F; minus strand). Cytogenetic location: Xp11.23.
Variant type: single nucleotide variant.
Coding change: c.577A>C on transcript NM_001256789.3 (MANE Select); coding-DNA position 577, A replaced by C.
Protein change: p.Thr193Pro; replaces threonine 193 with proline.
Molecular consequence: missense variant.
Genome position (GRCh38, 1-based): chrX:49,230,554, T>G on the plus strand (A>C on the coding strand, the complement: CACNA1F is on the minus strand). VCF-style: chrX-49230554-T-G. GRCh37 (hg19) VCF-style: chrX-49087016-T-G.
Other names: c.382A>C, p.Thr128Pro (NM_001256790.3); c.577A>C, p.Thr193Pro (NM_005183.4); short protein forms T193P, T128P.
Identifiers: ClinVar variation 4725421 (VCV004725421.1).